The following is an entry in ClinVar:

NM_032802.4(SPPL2A):c.14G>A (p.Arg5Gln)

Genes: SPPL2A (signal peptide peptidase like 2A; minus strand), LOC130057047 (ATAC-STARR-seq lymphoblastoid silent region 6430; plus strand). Cytogenetic location: 15q21.2.
Variant type: single nucleotide variant.
Coding change: c.14G>A on transcript NM_032802.4 (MANE Select); coding-DNA position 14, G replaced by A.
Protein change: p.Arg5Gln; replaces arginine 5 with glutamine.
Molecular consequence: missense variant.
Genome position (GRCh38, 1-based): chr15:50,765,520, C>T on the plus strand (G>A on the coding strand, the complement: SPPL2A is on the minus strand). VCF-style: chr15-50765520-C-T. GRCh37 (hg19) VCF-style: chr15-51057717-C-T.
Other names: short protein forms R5Q.
Identifiers: ClinVar variation 1913548 (VCV001913548.5), dbSNP rs971558655, ClinGen allele CA270611487.

ClinVar aggregate classification (germline): Uncertain significance (1 of 4 stars; one submission).

gnomAD v4.1: 36 of 1,498,562 alleles (0.0024%); highest among the groups gnomAD compares: Non-Finnish European, 0.0029%; no homozygotes.

Submission:

Labcorp Genetics (formerly Invitae), Labcorp
Classification: Uncertain significance. Last evaluated: 2024-09-06. Review status: criteria provided, single submitter. Criteria: Invitae Variant Classification Sherloc (09022015). Collection method: clinical testing. Allele origin: germline.
Comment: This sequence change replaces arginine, which is basic and polar, with glutamine, which is neutral and polar, at codon 5 of the SPPL2A protein (p.Arg5Gln). The frequency data for this variant in the population databases is considered unreliable, as metrics indicate poor data quality at this position in the gnomAD database. This variant has not been reported in the literature in individuals affected with SPPL2A-related conditions. ClinVar contains an entry for this variant (Variation ID: 1913548). An algorithm developed to predict the effect of missense changes on protein structure and function outputs the following: PolyPhen-2: "Benign". The glutamine amino acid residue is found in multiple mammalian species, which suggests that this missense change does not adversely affect protein function. In summary, the available evidence is currently insufficient to determine the role of this variant in disease. Therefore, it has been classified as a Variant of Uncertain Significance.